The following is an entry in ClinVar:

NM_001288705.3(CSF1R):c.1496T>A (p.Ile499Lys)

Gene: CSF1R (colony stimulating factor 1 receptor; minus strand). Cytogenetic location: 5q32.
Variant type: single nucleotide variant.
Coding change: c.1496T>A on transcript NM_001288705.3 (MANE Select); coding-DNA position 1496, T replaced by A.
Protein change: p.Ile499Lys; replaces isoleucine 499 with lysine.
Molecular consequence: missense variant. On other transcripts: non-coding transcript variant (2).
Genome position (GRCh38, 1-based): chr5:150,069,887, A>T on the plus strand (T>A on the coding strand, the complement: CSF1R is on the minus strand). VCF-style: chr5-150069887-A-T. GRCh37 (hg19) VCF-style: chr5-149449450-A-T.
Other names: c.1496T>A, p.Ile499Lys (NM_001349736.2, NM_001375320.1, NM_005211.4); c.1052T>A, p.Ile351Lys (NM_001375321.1); c.1496T>A (NM_005211.3); short protein forms I499K, I351K.
Identifiers: ClinVar variation 2085206 (VCV002085206.6), dbSNP rs544729900, ClinGen allele CA3506839.
Genomic context (GRCh38, chr5:150,069,887, plus strand): 5'-GGGGGGCGGGCGGGGGGGCGGTGCGGGTGCGAAGGCTCCCTCTCACCTGCAGAGATGGGT[A>T]TGAAGGCCCAGGAGCCACTCCCCACGCTGTTGTGGGCCCTGCACTCGTAGGTTTGGTTGT-3'
Protein context (NP_001275634.1, residues 489-509): NSVGSGSWAF[Ile499Lys]PISAGAHTHP

ClinVar aggregate classification (germline): Benign. Review status: criteria provided, single submitter (1 of 4 stars). 2 submissions from 2 submitters: Benign (1). 1 of the submissions does not count toward it. Last evaluated 2026-01-06.

Conditions:
CSF1R-related disorder. Also called: CSF1R-related condition. Identifiers: MedGen CN379780, MONDO:0100632.

Allele frequency attached by ClinVar (database versions not stated): TOPMed below 0.00001; gnomAD 0.00009; gnomAD exomes 0.00019; 1000 Genomes Project 0.00040; ExAC 0.00051.
gnomAD v4.1: 289 of 1,611,982 alleles (0.018%); highest among the groups gnomAD compares: South Asian, 0.31%; 1 homozygote.

Submissions (2):

Labcorp Genetics (formerly Invitae), Labcorp
Classification: Benign. Last evaluated: 2026-01-06. Review status: criteria provided, single submitter. Criteria: Invitae Variant Classification Sherloc (09022015). Collection method: clinical testing. Allele origin: germline.

PreventionGenetics, part of Exact Sciences
Classification: Likely benign for CSF1R-related condition. Last evaluated: 2023-12-27. Review status: no assertion criteria provided. Collection method: clinical testing. Allele origin: germline. Not counted in ClinVar's aggregate classification.
Comment: This variant is classified as likely benign based on ACMG/AMP sequence variant interpretation guidelines (Richards et al. 2015 PMID: 25741868, with internal and published modifications).